The following is an entry in ClinVar:

ClinVar aggregate classification (germline): Pathogenic/Likely pathogenic. Review status: criteria provided, multiple submitters, no conflicts (2 of 4 stars). 8 submissions from 8 submitters: Pathogenic (6); Likely pathogenic (1). 1 of the submissions does not count toward it. Last evaluated 2026-01-11.

Conditions:
BSND-related disorder. Also called: BSND-related condition.
Bartter syndrome. Identifiers: Orphanet 112, MedGen C0004775, MONDO:0015231.
Bartter disease type 4A. Also called: BARTTER SYNDROME, TYPE 4A, NEONATAL, WITH SENSORINEURAL DEAFNESS; BARTTER SYNDROME, NEONATAL, WITH SENSORINEURAL DEAFNESS. Identifiers: Orphanet 112, MedGen C1865270, MONDO:0011242, OMIM 602522.

Allele frequency attached by ClinVar (database versions not stated): gnomAD 0.00004; gnomAD exomes 0.00004 and 0.00012; TOPMed 0.00006; ExAC 0.00004.

Submissions (8):

Labcorp Genetics (formerly Invitae), Labcorp
Classification: Pathogenic. Last evaluated: 2026-01-11. Review status: criteria provided, single submitter. Criteria: Invitae Variant Classification Sherloc (09022015). Collection method: clinical testing. Allele origin: germline.
Comment: This sequence change affects the initiator codon of the BSND mRNA. This change may impact translation initiation or efficiency. The next in-frame methionine is located at codon 26. This variant is present in population databases (rs74315286, gnomAD 0.008%). Disruption of the initiator codon has been observed in individuals with Bartter syndrome (PMID: 11687798, 16773427, 24902942). ClinVar contains an entry for this variant (Variation ID: 4384). For these reasons, this variant has been classified as Pathogenic.

Natera, Inc.
Classification: Pathogenic for Bartter syndrome. Last evaluated: 2025-10-16. Review status: criteria provided, single submitter. Criteria: Natera Variant Classification Schema (03/2026). Collection method: clinical testing. Allele origin: germline.
Comment: The c.3G>A variant in BSND is predicted to result in start loss due to disruption of the initiator methionine. This variant is expected to result in nonsense mediated decay, truncation, or a dysfunctional protein product. This variant is rare in the general population with a frequency below the threshold expected for the associated phenotype(s). This variant has been observed in one or more individuals affected with the associated recessive disease, as either homozygous or compound heterozygous with a second variant (PMID: 16583241, 19096086, 11687798). Given the available evidence, this variant is classified as Pathogenic.

Mayo Clinic Laboratories, Mayo Clinic
Classification: Pathogenic. Last evaluated: 2025-02-11. Review status: criteria provided, single submitter. Criteria: ACMG Guidelines, 2015. Collection method: clinical testing. Allele origin: germline. Observed: 1 variant allele.
Comment: PP3_moderate, PM3_strong, PM5, PVS1_moderate

Blueprint Genetics
Classification: Pathogenic for BSND-related disorders. Last evaluated: 2024-08-05. Review status: criteria provided, single submitter. Criteria: ACMG Guidelines, 2015. Collection method: clinical testing. Allele origin: germline. Affected: yes. Observed: 5 variant alleles.

GeneDx
Classification: Pathogenic. Last evaluated: 2024-08-03. Review status: criteria provided, single submitter. Criteria: GeneDx Variant Classification Process June 2021. Collection method: clinical testing. Allele origin: germline.
Comment: Identified with a second variant (phase unknown) in a patient with Bartter syndrome and sensorineural hearing loss (PMID: 11687798); Initiation codon variant in a gene for which loss of function is a known mechanism of disease; This variant is associated with the following publications: (PMID: 31589614, 16773427, 24902942, 19096086, 16583241, 11687798)

Illumina Laboratory Services, Illumina
Classification: Likely pathogenic for Bartter disease type 4A. Last evaluated: 2018-12-18. Review status: criteria provided, single submitter. Criteria: ICSL Variant Classification Criteria 09 May 2019. Collection method: clinical testing. Allele origin: germline.
Comment: The c.3G>A (p.Met1?) variant is in the initiation codon and abolishes the transcription start site. The p.Met1? variant, (described as p.Met1Ile), is reported in three studies in which it is found in a total of four individuals with Bartter syndrome. The variant was found in a homozygous state in two individuals and in a compound heterozygous state in one other individual all with Bartter syndrome with hearing loss and in a homozygous state in a fourth individual with Bartter syndrome but for whom no further phenotype data were provided (Birkenhager et al. 2001; Zaffanello et al. 2006; Brochard et al. 2009; Bettinelli et al. 2014).). The p.Met1? variant was absent from 422 control chromosomes and is reported at a frequency of 0.000070 in the European (non-Finnish) population of the Genome Aggregation Database. Based on the evidence and the potential impact of the variant on protein translation, the p.Met1? variant is classified as likely pathogenic for Bartter syndrome. This variant was observed by ICSL as part of a predisposition screen in an ostensibly healthy population.

Center for Genomics, Ann and Robert H. Lurie Children's Hospital of Chicago
Classification: Pathogenic for Bartter disease type 4A. Review status: criteria provided, single submitter. Criteria: ACMG Guidelines, 2015. Collection method: clinical testing. Allele origin: germline.
Comment: This variant is predicted to abolish the translation initiation codon, resulting in an abnormal or absent protein; loss of function is an established mechanism of disease for this gene (Janssen 2009 PMID: 18776122). Variants altering the initiation codon have been reported in the literature in the homozygous state in at least 9 individuals with Bartter syndrome (Selected publications: Birkenhäger 2001 PMID: 11687798; Zaffanello 2006 PMID: 16583241; Bettinelli 2014 PMID: 24902942). This variant is present in the Genome Aggregation Database (Highest MAF: 0.007% [5/68032]); please note, disease-causing variants may be present in control databases at low frequencies, reflective of the general population, carrier status, and/or variable expressivity. It is also present in ClinVar, with multiple laboratories classifying it as pathogenic or likely pathogenic (Variation ID: 4384). Evolutionary conservation and computational predictive tools for this variant are limited or unavailable. In summary, this variant is classified as pathogenic.

OMIM
Classification: Pathogenic for BARTTER SYNDROME, TYPE 4A, WITH SENSORINEURAL DEAFNESS. Last evaluated: 2001-11-01. Review status: no assertion criteria provided. Collection method: literature only. Allele origin: germline. Not counted in ClinVar's aggregate classification.

Literature cited by the submitters: PubMed 11687798 (cited by 5 submitters); PubMed 16773427 (cited by Labcorp Genetics (formerly Invitae), Labcorp); PubMed 24902942 (cited by 3 submitters); PubMed 16583241 (cited by 3 submitters); PubMed 19096086 (cited by 3 submitters).

NM_057176.3(BSND):c.3G>A (p.Met1Ile)

Gene: BSND (barttin CLCNK type accessory subunit beta; plus strand). Cytogenetic location: 1p32.3.
Variant type: single nucleotide variant.
Coding change: c.3G>A on transcript NM_057176.3 (MANE Select); coding-DNA position 3, G replaced by A.
Protein change: p.Met1Ile; changes the start codon (methionine 1).
Molecular consequence: missense variant, initiator codon variant.
Genome position (GRCh38, 1-based): chr1:54,999,189, G>A. VCF-style: chr1-54999189-G-A. GRCh37 (hg19) VCF-style: chr1-55464862-G-A.
Other names: p.Met1?; short protein forms M1I.
Identifiers: ClinVar variation 4384 (VCV000004384.27), dbSNP rs74315286, ClinGen allele CA116807.